The following is an entry in ClinVar:

NM_032638.5(GATA2):c.445G>A (p.Gly149Arg)

Gene: GATA2 (GATA binding protein 2; minus strand). Cytogenetic location: 3q21.3.
Variant type: single nucleotide variant.
Coding change: c.445G>A on transcript NM_032638.5 (MANE Select); coding-DNA position 445, G replaced by A.
Protein change: p.Gly149Arg; replaces glycine 149 with arginine.
Molecular consequence: missense variant.
Genome position (GRCh38, 1-based): chr3:128,486,153, C>T on the plus strand (G>A on the coding strand, the complement: GATA2 is on the minus strand). VCF-style: chr3-128486153-C-T. GRCh37 (hg19) VCF-style: chr3-128204996-C-T.
Other names: c.445G>A, p.Gly149Arg (NM_001145661.2, NM_001145662.1); short protein forms G149R.
Identifiers: ClinVar variation 404080 (VCV000404080.24), dbSNP rs753645971, ClinGen allele CA2600028.

ClinVar aggregate classification (germline): Conflicting classifications of pathogenicity. Review status: criteria provided, conflicting classifications (1 of 4 stars). 8 submissions from 8 submitters: Uncertain significance (6); Likely benign (1). 1 of the submissions does not count toward it. Last evaluated 2026-02-01.

Conditions:
GATA2-related disorder. Also called: GATA2-Related Disorders; GATA2-related condition.
GATA2 deficiency with susceptibility to MDS/AML. Identifiers: MedGen CN300066, MONDO:0042982.
Deafness-lymphedema-leukemia syndrome. Also called: Emberger syndrome; Lymphedema, primary, with myelodysplasia. Identifiers: Orphanet 3226, MedGen C3279664, MONDO:0013540, OMIM 614038.
Monocytopenia with susceptibility to infections. Also called: MONOCYTOPENIA AND MYCOBACTERIAL INFECTION SYNDROME; MONOCYTOPENIA WITH SUSCEPTIBILITY TO MYCOBACTERIAL, FUNGAL, AND PAPILLOMAVIRUS INFECTIONS AND MYELODYSPLASIA; COMBINED IMMUNODEFICIENCY WITH SUSCEPTIBILITY TO MYCOBACTERIAL, VIRAL, AND FUNGAL INFECTIONS; Dendritic cell, monocyte, B lymphocyte, and natural killer lymphocyte deficiency; IMMUNODEFICIENCY 21; GATA2 DEFICIENCY. Identifiers: Orphanet 228423, MedGen C3280030, MONDO:0013607, OMIM 614172.
Myelodysplastic syndrome (MDS). Also called: MYELODYSPLASTIC SYNDROME, SUSCEPTIBILITY TO; Myelodysplastic syndrome, somatic; Myelodysplastic syndromes. Identifiers: Orphanet 52688, MedGen C3463824, MeSH D009190, MONDO:0018881, OMIM 614286.
Acute myeloid leukemia (AML). Also called: Leukemia, acute myeloid, somatic; Leukemia, acute myelogenous, somatic; Acute myeloid leukemia, adult; AML adult; Acute non-lymphocytic leukemia; Acute granulocytic leukemia. Identifiers: Orphanet 519, MedGen C0023467, MeSH D015470, MONDO:0018874, OMIM 601626, HP:0004808. Disease mechanism: Constitutively activated FLT3.

Allele frequency attached by ClinVar (database versions not stated): ExAC 0.00005; gnomAD 0.00009; gnomAD exomes 0.00012; TOPMed 0.00012.
gnomAD v4.1: 92 of 1,581,142 alleles (0.0058%); highest among the groups gnomAD compares: Admixed American, 0.052%; no homozygotes.

Submissions (8):

Labcorp Genetics (formerly Invitae), Labcorp
Classification: Likely benign for Monocytopenia with susceptibility to infections; Deafness-lymphedema-leukemia syndrome. Last evaluated: 2026-02-01. Review status: criteria provided, single submitter. Criteria: Invitae Variant Classification Sherloc (09022015). Collection method: clinical testing. Allele origin: germline.

St. Jude Molecular Pathology, St. Jude Children's Research Hospital
Classification: Uncertain significance for GATA2 deficiency with susceptibility to MDS/AML. Last evaluated: 2024-02-15. Review status: criteria provided, single submitter. Criteria: St. Jude Assertion Criteria 2020. Collection method: clinical testing. Allele origin: germline.
Comment: The GATA2 c.445G>A (p.Gly149Arg) missense change has a maximum subpopulation frequency of 0.05% in gnomAD v2.1.1. The in silico tool REVEL is inconclusive about a pathogenic or benign effect of this variant on protein function, but functional studies have not been performed. This variant has not been reported in individuals presenting with GATA2-associated clinical phenotypes. In summary, the evidence currently available is insufficient to determine the clinical significance of this variant. It has therefore been classified as of uncertain significance.

Baylor Genetics
Classification: Uncertain significance for Acute myeloid leukemia. Last evaluated: 2024-02-12. Review status: criteria provided, single submitter. Criteria: ACMG Guidelines, 2015. Collection method: clinical testing. Allele origin: unknown.

Blueprint Genetics
Classification: Uncertain significance. Last evaluated: 2023-09-15. Review status: criteria provided, single submitter. Criteria: ACMG Guidelines, 2015. Collection method: clinical testing. Allele origin: germline.

GeneDx
Classification: Uncertain significance. Last evaluated: 2023-07-11. Review status: criteria provided, single submitter. Criteria: GeneDx Variant Classification Process June 2021. Collection method: clinical testing. Allele origin: germline. Affected: yes.
Comment: In silico analysis supports that this missense variant does not alter protein structure/function; Observed in a patient with gastric cancer and in a patient with leukemia (AML); however, it is unclear whether the variant was germline or somatic in the latter individual (Aguirre-Ruiz et al., 2020; Herrera-Pariente et al., 2021); This variant is associated with the following publications: (PMID: 30755392, 33255857, 33525650)

Genetic Services Laboratory, University of Chicago
Classification: Uncertain significance. Last evaluated: 2020-09-28. Review status: criteria provided, single submitter. Criteria: ACMG Guidelines, 2015. Collection method: clinical testing. Allele origin: germline. Affected: no.
Comment: DNA sequence analysis of the GATA2 gene demonstrated a sequence change, c.445G>A, in exon 3 that results in an amino acid change, p.Gly149Arg. This sequence change does not appear to have been previously described in patients with GATA2-related disorders and has been described in the gnomAD database with a frequency of 0.053% in the Latino sub-population (dbSNP rs753645971). The p.Gly149Arg change affects a poorly conserved amino acid residue located in a domain of the GATA2 protein that is known to be functional. In-silico pathogenicity prediction tools (SIFT, PolyPhen2, Align GVGD, REVEL) provide contradictory results for the p.Gly149Arg substitution. Due to these contrasting evidences and the lack of functional studies, the clinical significance of the p.Gly149Arg change remains unknown at this time.

Fulgent Genetics
Classification: Uncertain significance for Acute myeloid leukemia; Deafness-lymphedema-leukemia syndrome; Monocytopenia with susceptibility to infections; Myelodysplastic syndrome. Last evaluated: 2018-10-31. Review status: criteria provided, single submitter. Criteria: ACMG Guidelines, 2015. Collection method: clinical testing. Allele origin: unknown.

PreventionGenetics, part of Exact Sciences
Classification: Likely benign for GATA2-related condition. Last evaluated: 2022-05-17. Review status: no assertion criteria provided. Collection method: clinical testing. Allele origin: germline. Not counted in ClinVar's aggregate classification.
Comment: This variant is classified as likely benign based on ACMG/AMP sequence variant interpretation guidelines (Richards et al. 2015 PMID: 25741868, with internal and published modifications).